The following is an entry in ClinVar:

ClinVar aggregate classification (germline): Uncertain significance. Review status: criteria provided, multiple submitters, no conflicts (2 of 4 stars). 2 submissions from 2 submitters: Uncertain significance (2). Last evaluated 2026-04-25.

Conditions:
Hereditary cancer-predisposing syndrome. Also called: Hereditary Cancer Syndrome; Tumor predisposition; Hereditary neoplastic syndrome; Neoplastic Syndromes, Hereditary. Identifiers: Orphanet 140162, MedGen C0027672, MeSH D009386, MONDO:0015356.

Submissions (2):

Ambry Genetics
Classification: Uncertain significance for Hereditary cancer-predisposing syndrome. Last evaluated: 2026-04-25. Review status: criteria provided, single submitter. Criteria: Ambry Variant Classification Scheme 2023. Collection method: clinical testing. Allele origin: germline.
Comment: The p.T361P variant (also known as c.1081A>C), located in coding exon 11 of the POLE gene, results from an A to C substitution at nucleotide position 1081. The threonine at codon 361 is replaced by proline, an amino acid with highly similar properties. This amino acid position is conserved. In addition, this alteration is predicted to be deleterious by in silico analysis. Based on the available evidence, the clinical significance of this variant remains unclear.

Labcorp Genetics (formerly Invitae), Labcorp
Classification: Uncertain significance. Last evaluated: 2023-09-09. Review status: criteria provided, single submitter. Criteria: Invitae Variant Classification Sherloc (09022015). Collection method: clinical testing. Allele origin: germline.
Comment: ClinVar contains an entry for this variant (Variation ID: 405861). This sequence change replaces threonine, which is neutral and polar, with proline, which is neutral and non-polar, at codon 361 of the POLE protein (p.Thr361Pro). This variant is not present in population databases (gnomAD no frequency). This variant has not been reported in the literature in individuals affected with POLE-related conditions. Advanced modeling of protein sequence and biophysical properties (such as structural, functional, and spatial information, amino acid conservation, physicochemical variation, residue mobility, and thermodynamic stability) performed at Invitae indicates that this missense variant is expected to disrupt POLE protein function. In summary, the available evidence is currently insufficient to determine the role of this variant in disease. Therefore, it has been classified as a Variant of Uncertain Significance.

NM_006231.4(POLE):c.1081A>C (p.Thr361Pro)

Gene: POLE (DNA polymerase epsilon, catalytic subunit; minus strand). Cytogenetic location: 12q24.33.
Variant type: single nucleotide variant.
Coding change: c.1081A>C on transcript NM_006231.4 (MANE Select); coding-DNA position 1081, A replaced by C.
Protein change: p.Thr361Pro; replaces threonine 361 with proline.
Molecular consequence: missense variant.
Genome position (GRCh38, 1-based): chr12:132,675,760, T>G on the plus strand (A>C on the coding strand, the complement: POLE is on the minus strand). VCF-style: chr12-132675760-T-G. GRCh37 (hg19) VCF-style: chr12-133252346-T-G.
Other names: short protein forms T361P.
Identifiers: ClinVar variation 405861 (VCV000405861.9), dbSNP rs201315364, ClinGen allele CA16613734.